The following is an entry in ClinVar:

ClinVar aggregate classification (germline): Pathogenic (1 of 4 stars; one submission).

Submission:

Quest Diagnostics Nichols Institute San Juan Capistrano
Classification: Pathogenic. Last evaluated: 2022-08-09. Review status: criteria provided, single submitter. Criteria: ACMG/ClinGen CNV Guidelines, 2019. Collection method: clinical testing. Allele origin: unknown.
Comment: The copy number gain of 21q21.1q22.11 involves numerous protein-coding genes, including APP (OMIM 104760). Heterozygous duplications of APP have been reported to associate with cerebral amyloid angiopathy, or cerebroarterial amyloidosis (CAA) and with early myoclonic epilepsy (Llado 2014). In addition, heterozygous missense variants as well as duplications of APP have been associated with autosomal dominant familial Alzheimer disease 1 (OMIM 104300, Antonell 2012, Hooli 2012). There are no similar copy number gains of this region in the general populations of the Database of Genomic Variants. Therefore, based on current medical literature and gene content, this copy number variant (CNV) is classified as pathogenic. References: Antonell et al., J Alzheimers Dis. 2012;28(2):303-8. PMID: 22008262 Hooli et al., Neurology. 2012 Apr 17;78(16):1250-7. PMID: 22491860 Llado et al., Neurogenetics. 2014 May;15(2):145-9. PMID: 24691562

GRCh37/hg19 21q21.1-22.11(chr21:20408138-32852758)x3

Genes: N6AMT1 (N-6 adenine-specific DNA methyltransferase 1; minus strand), NCAM2 (neural cell adhesion molecule 2; plus strand), RWDD2B (RWD domain containing 2B; minus strand), TIAM1 (TIAM Rac1 associated GEF 1; minus strand), USP16 (ubiquitin specific peptidase 16; plus strand) and 49 more. Cytogenetic location: 21q21.1-22.11.
Variant type: copy number gain.
Change: copy number 3 (three copies instead of two) of chr21:20,408,138-32,852,758 (12.44 Mb, GRCh37 coordinates, 1-based), cytogenetic band 21q21.1-22.11.
Identifiers: ClinVar variation 2684912 (VCV002684912.1).